The following is an entry in ClinVar:

ClinVar aggregate classification (germline): Benign/Likely benign. Review status: criteria provided, multiple submitters, no conflicts (2 of 4 stars). 3 submissions from 3 submitters: Benign (1); Likely benign (2). Last evaluated 2025-06-22.

Conditions:
Hereditary leiomyomatosis and renal cell cancer. Also called: LEIOMYOMA, MULTIPLE CUTANEOUS; MULTIPLE CUTANEOUS AND UTERINE LEIOMYOMATA 1, WITH OR WITHOUT RENAL CELL CARCINOMA; FH tumor predisposition syndrome; Reed syndrome; Multiple cutaneous and uterine leiomyomatosis; Cutaneous leiomyomata with uterine leiomyomata. Identifiers: Orphanet 523, MedGen C1708350, MONDO:0007888, OMIM 150800, HP:0007437. Disease mechanism: loss of function.
Hereditary cancer-predisposing syndrome. Also called: Tumor predisposition; Neoplastic Syndromes, Hereditary; Hereditary Cancer Syndrome; Hereditary neoplastic syndrome. Identifiers: Orphanet 140162, MedGen C0027672, MeSH D009386, MONDO:0015356.

Submissions (3):

Labcorp Genetics (formerly Invitae), Labcorp
Classification: Likely benign. Last evaluated: 2025-06-22. Review status: criteria provided, single submitter. Criteria: Invitae Variant Classification Sherloc (09022015). Collection method: clinical testing. Allele origin: germline.

Myriad Genetics, Inc.
Classification: Benign for Hereditary leiomyomatosis and renal cell cancer. Last evaluated: 2024-10-17. Review status: criteria provided, single submitter. Criteria: Myriad Autosomal Dominant, Autosomal Recessive and X-Linked Classification Criteria (2023). Collection method: clinical testing. Allele origin: unknown.
Comment: This variant is considered benign. This variant is a silent/synonymous amino acid change and it is not expected to impact splicing.

Ambry Genetics
Classification: Likely benign for Hereditary cancer-predisposing syndrome. Last evaluated: 2019-09-13. Review status: criteria provided, single submitter. Criteria: Ambry Variant Classification Scheme 2023. Collection method: clinical testing. Allele origin: germline.

NM_000143.4(FH):c.30C>T (p.Arg10=)

Gene: FH (fumarate hydratase; minus strand). Cytogenetic location: 1q43.
Variant type: single nucleotide variant.
Coding change: c.30C>T on transcript NM_000143.4 (MANE Select); coding-DNA position 30, C replaced by T.
Protein change: p.Arg10=; no amino-acid change (arginine 10 retained).
Molecular consequence: synonymous variant.
Genome position (GRCh38, 1-based): chr1:241,519,693, G>A on the plus strand (C>T on the coding strand, the complement: FH is on the minus strand). VCF-style: chr1-241519693-G-A. GRCh37 (hg19) VCF-style: chr1-241682993-G-A.
Identifiers: ClinVar variation 1727614 (VCV001727614.4), dbSNP rs1660323323, ClinGen allele CA424076862.
Genomic context (GRCh38, chr1:241,519,693, plus strand): 5'-GCCACCCAAGCCGGGAGCCGAAGCTAAGGCTGCGGCTGGAGCCCGCACGAGGGGACGCGA[G>A]CGCGCGAGGAGCCGAAGTGCTCGGTACATGGTGCTGAGGGAGCTTGGGTAGAATTTCTGG-3'
Protein context (NP_000134.2, residues 1-20): MYRALRLLA[Arg10=]SRPLVRAPAA